The following is an entry in ClinVar:

ClinVar aggregate classification (germline): Likely benign (1 of 4 stars; one submission).

Allele frequency attached by ClinVar (database versions not stated): ESP Exome Variant Server 0.00115; 1000 Genomes Project 0.00240; 1000 Genomes Project 30x 0.00265; gnomAD 0.00090; TOPMed 0.00091.
gnomAD v4.1: 276 of 1,613,818 alleles (0.017%); highest among the groups gnomAD compares: African/African-American, 0.32%; 1 homozygote.

Submission:

CeGaT Center for Human Genetics Tuebingen
Classification: Likely benign. Last evaluated: 2022-03-01. Review status: criteria provided, single submitter. Criteria: CeGaT Center For Human Genetics Tuebingen Variant Classification Criteria Version 2. Collection method: clinical testing. Allele origin: germline. Affected: yes. Observed: 1 variant allele.
Comment: PCDHA13: BP4, BP7

NM_018904.3(PCDHA13):c.1428G>C (p.Thr476=)

Genes: PCDHA1 (protocadherin alpha 1; plus strand), PCDHA10 (protocadherin alpha 10; plus strand), PCDHA11 (protocadherin alpha 11; plus strand), PCDHA12 (protocadherin alpha 12; plus strand), PCDHA13 (protocadherin alpha 13; plus strand) and 9 more. Cytogenetic location: 5q31.3.
Variant type: single nucleotide variant.
Coding change: c.1428G>C on transcript NM_018904.3 (MANE Select); coding-DNA position 1428, G replaced by C.
Protein change: p.Thr476=; no amino-acid change (threonine 476 retained).
Molecular consequence: synonymous variant. On other transcripts: intron variant (15).
Genome position (GRCh38, 1-based): chr5:140,883,696, G>C. VCF-style: chr5-140883696-G-C. GRCh37 (hg19) VCF-style: chr5-140263281-G-C.
Other names: c.1428G>C, p.Thr476= (NM_031865.2); c.2394+95012G>C (NM_018900.4); c.1603-95253G>C (NM_031411.3); c.2388+86344G>C (NM_018905.3); c.2394+80105G>C (NM_018906.3); c.2385+74124G>C (NM_018907.4); c.2352+59569G>C (NM_018908.3); c.2394+53211G>C (NM_018909.4); and 8 more.
Identifiers: ClinVar variation 2655797 (VCV002655797.24), dbSNP rs142212706, ClinGen allele CA3453239.
Genomic context (GRCh38, chr5:140,883,696, plus strand): 5'-GCAGCCCGAGTACACGGTGTTCGTGAAGGAAAACAATCCGCCGGGCTGCCACATCTTCAC[G>C]GTGTCTGCTCAGGACGCGGACGCACAGGAGAACGCGCTGGTCTCCTACTCGCTGGTGGAG-3'
Protein context (NP_061727.1, residues 466-486): ENNPPGCHIF[Thr476=]VSAQDADAQE